The following is an entry in ClinVar:

ClinVar aggregate classification (germline): Pathogenic. Review status: criteria provided, multiple submitters, no conflicts (2 of 4 stars). 8 submissions from 8 submitters: Pathogenic (7). 1 of the submissions does not count toward it. Last evaluated 2025-08-17.

Conditions:
Hereditary cancer-predisposing syndrome. Also called: Hereditary neoplastic syndrome; Tumor predisposition; Neoplastic Syndromes, Hereditary; Hereditary Cancer Syndrome. Identifiers: Orphanet 140162, MedGen C0027672, MeSH D009386, MONDO:0015356.
Cardiovascular phenotype. Identifiers: MedGen CN230736.
Tibial pseudarthrosis. Identifiers: MedGen C4024216, HP:0009736.
Neurofibromatosis, type 1 (NF1). Also called: Neurofibromatosis, type I; NEUROFIBROMATOSIS, TYPE I, SOMATIC; Peripheral type neurofibromatosis; VON RECKLINGHAUSEN DISEASE. Identifiers: Orphanet 636, MedGen C0027831, MONDO:0018975, OMIM 162200. Disease mechanism: loss of function.
Neurofibromatosis, familial spinal (FSNF). Identifiers: Orphanet 636, MedGen C1834235, MONDO:0008078, OMIM 162210. Disease mechanism: loss of function.
Juvenile myelomonocytic leukemia (JMML). Also called: LEUKEMIA, JUVENILE MYELOMONOCYTIC, SOMATIC. Identifiers: Orphanet 86834, MedGen C0349639, MONDO:0011908, OMIM 607785, HP:0012209.
Neurofibromatosis-Noonan syndrome (NFNS). Also called: NEUROFIBROMATOSIS WITH NOONAN PHENOTYPE. Identifiers: Orphanet 638, MedGen C2931482, MONDO:0011035, OMIM 601321. Disease mechanism: loss of function.
Café-au-lait macules with pulmonary stenosis (WTSN). Also called: PULMONIC STENOSIS WITH CAFE-AU-LAIT SPOTS. Identifiers: MedGen C0553586, MONDO:0008672, OMIM 193520.

Submissions (8):

Labcorp Genetics (formerly Invitae), Labcorp
Classification: Pathogenic for Neurofibromatosis, type 1. Last evaluated: 2025-08-17. Review status: criteria provided, single submitter. Criteria: Invitae Variant Classification Sherloc (09022015). Collection method: clinical testing. Allele origin: germline.
Comment: This sequence change creates a premature translational stop signal (p.Ser168*) in the NF1 gene. It is expected to result in an absent or disrupted protein product. Loss-of-function variants in NF1 are known to be pathogenic (PMID: 10712197, 23913538). This variant is not present in population databases (gnomAD no frequency). This variant has not been reported in the literature in individuals affected with NF1-related conditions. Invitae Evidence Modeling of clinical and family history, age, sex, and reported ancestry of multiple individuals with this NF1 variant has been performed. This variant is expected to be pathogenic with a positive predictive value of at least 99%. This is a validated machine learning model that incorporates the clinical features of 1,785,918 individuals referred to our laboratory for NF1 testing. ClinVar contains an entry for this variant (Variation ID: 430497). For these reasons, this variant has been classified as Pathogenic.

Ambry Genetics
Classification: Pathogenic for Cardiovascular phenotype; Hereditary cancer-predisposing syndrome. Last evaluated: 2024-02-12. Review status: criteria provided, single submitter. Criteria: Ambry Variant Classification Scheme 2023. Collection method: clinical testing. Allele origin: germline.
Comment: The p.S168* pathogenic mutation (also known as c.503C>G), located in coding exon 5 of the NF1 gene, results from a C to G substitution at nucleotide position 503. This changes the amino acid from a serine to a stop codon within coding exon 5. This variant has been observed in at least a parent and child meeting clinical diagnosis of Neurofibromatosis type 1 (NF1) (Zhu G et al. Orphanet J Rare Dis, 2019 Sep;14:221). This variant is considered to be rare based on population cohorts in the Genome Aggregation Database (gnomAD). This alteration is expected to result in loss of function by premature protein truncation or nonsense-mediated mRNA decay. As such, this alteration is interpreted as a disease-causing mutation.

Genome-Nilou Lab
Classification: Pathogenic for Neurofibromatosis, type 1. Last evaluated: 2022-03-15. Review status: criteria provided, single submitter. Criteria: ACMG Guidelines, 2015. Collection method: clinical testing. Allele origin: germline. Affected: no.

Athena Diagnostics
Classification: Pathogenic. Last evaluated: 2021-07-17. Review status: criteria provided, single submitter. Criteria: Athena Diagnostics Criteria. Collection method: clinical testing. Allele origin: unknown.
Comment: This variant is expected to result in the loss of a functional protein. This variant was not reported in large, multi-ethnic, general populations. This variant has been identified in at least one individual with clinical features associated with this gene.

The Laboratory of Genetics and Metabolism, Hunan Children’s Hospital
Classification: Pathogenic for Neurofibromatosis, type 1; Tibial pseudoarthrosis. Last evaluated: 2018-11-10. Review status: criteria provided, single submitter. Criteria: ACMG Guidelines, 2015. Collection method: research. Allele origin: paternal. Affected: yes. Observed: 2 variant alleles.

GeneDx
Classification: Pathogenic. Last evaluated: 2017-05-31. Review status: criteria provided, single submitter. Criteria: GeneDx Variant Classification (06012015). Collection method: clinical testing. Allele origin: germline. Affected: yes.
Comment: The S168X nonsense variant in the NF1 gene has been observed previously in a patient with neurofibromatosis type 1; the variant is not listed in the publication itself but is listed in the Human Gene Mutation Database and was noted to be obtained via personal communication (vanMinkelen et al., 2014; Stenson et al., 2014). This variant is predicted to cause loss of normal protein function either through protein truncation or nonsense-mediated mRNA decay. The variant is not observed in large population cohorts (Lek et al., 2016; 1000 Genomes Consortium et al., 2015; Exome Variant Server). In summary, we consider this variant to be pathogenic.

Juno Genomics, Hangzhou Juno Genomics, Inc
Classification: Pathogenic for Juvenile myelomonocytic leukemia; Neurofibromatosis, familial spinal; Neurofibromatosis, type 1; Neurofibromatosis-Noonan syndrome; Café-au-lait macules with pulmonary stenosis. Review status: criteria provided, single submitter. Criteria: ACMG Guidelines, 2015. Collection method: clinical testing. Allele origin: germline. Affected: yes.
Comment: Null variant in a gene where loss of function (LOF) is a known mechanism of disease.;Absent from controls (or at extremely low frequency if recessive) in Genome Aggregation Database, Exome Sequencing Project, 1000 Genomes Project, or Exome Aggregation Consortium.;Patient's phenotype or family history is highly specific for a disease with a single genetic etiology.

Beijing Key Laboratory for Genetic Research of Skeletal Deformity, Peking Union Medical College Hospital
Classification: Pathogenic for Neurofibromatosis, type 1. Last evaluated: 2019-05-31. Review status: no assertion criteria provided. Collection method: research. Allele origin: unknown. Affected: yes. Not counted in ClinVar's aggregate classification.

Literature cited by the submitters: PubMed 10712197 (cited by Labcorp Genetics (formerly Invitae), Labcorp); PubMed 23913538 (cited by Labcorp Genetics (formerly Invitae), Labcorp); PubMed 31533797 (cited by Athena Diagnostics and The Laboratory of Genetics and Metabolism, Hunan Children’s Hospital).

NM_001042492.3(NF1):c.503C>G (p.Ser168Ter)

Gene: NF1 (neurofibromin 1; plus strand). Cytogenetic location: 17q11.2.
Variant type: single nucleotide variant.
Coding change: c.503C>G on transcript NM_001042492.3 (MANE Select); coding-DNA position 503, C replaced by G.
Protein change: p.Ser168Ter; replaces serine 168 with a stop codon.
Molecular consequence: nonsense.
Genome position (GRCh38, 1-based): chr17:31,169,914, C>G. VCF-style: chr17-31169914-C-G. GRCh37 (hg19) VCF-style: chr17-29496932-C-G.
Other names: c.503C>G, p.Ser168Ter (NM_000267.4, NM_001128147.3); short protein forms S168*.
Identifiers: ClinVar variation 430497 (VCV000430497.16), dbSNP rs1131691994, ClinGen allele CA398984855.